The following is an entry in ClinVar:

NM_001278064.2(GRM1):c.1853G>A (p.Arg618Gln)

Gene: GRM1 (glutamate metabotropic receptor 1; plus strand). Cytogenetic location: 6q24.3.
Variant type: single nucleotide variant.
Coding change: c.1853G>A on transcript NM_001278064.2 (MANE Select); coding-DNA position 1853, G replaced by A.
Protein change: p.Arg618Gln; replaces arginine 618 with glutamine.
Molecular consequence: missense variant.
Genome position (GRCh38, 1-based): chr6:146,398,892, G>A. VCF-style: chr6-146398892-G-A. GRCh37 (hg19) VCF-style: chr6-146720028-G-A.
Other names: c.1853G>A, p.Arg618Gln (NM_001278065.2, NM_001278066.1, NM_001278067.1); short protein forms R618Q.
Identifiers: ClinVar variation 2714846 (VCV002714846.3), dbSNP rs1442738226, ClinGen allele CA366194294.

ClinVar aggregate classification (germline): Uncertain significance (1 of 4 stars; one submission).

Allele frequency attached by ClinVar (database versions not stated): gnomAD exomes below 0.00001; gnomAD 0.00001; TOPMed 0.00001.
gnomAD v4.1: 6 of 1,613,570 alleles (0.00037%); highest among the groups gnomAD compares: Admixed American, 0.0033%; no homozygotes.

Submission:

Labcorp Genetics (formerly Invitae), Labcorp
Classification: Uncertain significance. Last evaluated: 2023-08-29. Review status: criteria provided, single submitter. Criteria: Invitae Variant Classification Sherloc (09022015). Collection method: clinical testing. Allele origin: germline.
Comment: In summary, the available evidence is currently insufficient to determine the role of this variant in disease. Therefore, it has been classified as a Variant of Uncertain Significance. An algorithm developed to predict the effect of missense changes on protein structure and function (PolyPhen-2) suggests that this variant is likely to be disruptive. This sequence change replaces arginine, which is basic and polar, with glutamine, which is neutral and polar, at codon 618 of the GRM1 protein (p.Arg618Gln). This variant is present in population databases (no rsID available, gnomAD 0.003%). This variant has not been reported in the literature in individuals affected with GRM1-related conditions.